The following is an entry in ClinVar:

ClinVar aggregate classification (germline): Likely benign. Review status: criteria provided, multiple submitters, no conflicts (2 of 4 stars). 8 submissions from 8 submitters: Likely benign (8). Last evaluated 2026-01-13.

Conditions:
DSP-related disorder. Also called: DSP-related condition; DSP-related disorders.
Cardiovascular phenotype. Identifiers: MedGen CN230736.
Arrhythmogenic right ventricular dysplasia 8 (ARVD8). Also called: ARRHYTHMOGENIC RIGHT VENTRICULAR CARDIOMYOPATHY 8; ARRHYTHMOGENIC RIGHT VENTRICULAR DYSPLASIA, FAMILIAL, 8; Arrhythmogenic Right Ventricular Dysplasia/Cardiomyopathy 8. Identifiers: MedGen C1843896, MONDO:0011831, OMIM 607450.
Arrhythmogenic cardiomyopathy with wooly hair and keratoderma. Also called: Dilated cardiomyopathy with woolly hair and keratoderma; PALMOPLANTAR KERATODERMA WITH LEFT VENTRICULAR CARDIOMYOPATHY AND WOOLLY HAIR; Arrhythmogenic cardiomyopathy with woolly hair and keratoderma; Carvajal syndrome. Identifiers: Orphanet 65282, MedGen C1854063, MONDO:0011581, OMIM 605676.
Cardiomyopathy (CMYO). Also called: Cardiomyopathies. Identifiers: Orphanet 167848, MedGen C0878544, MONDO:0004994, HP:0001638. Inheritance: Various modes of inheritance.

Allele frequency attached by ClinVar (database versions not stated): gnomAD exomes 0.00003 and 0.00010; ExAC 0.00015; gnomAD 0.00027; TOPMed 0.00029; ESP Exome Variant Server 0.00031; 1000 Genomes Project 0.00040; 1000 Genomes Project 30x 0.00062.
gnomAD v4.1: 89 of 1,613,844 alleles (0.0055%); highest among the groups gnomAD compares: African/African-American, 0.085%; no homozygotes.

Submissions (8):

Labcorp Genetics (formerly Invitae), Labcorp
Classification: Likely benign for Arrhythmogenic cardiomyopathy with wooly hair and keratoderma; Arrhythmogenic right ventricular dysplasia 8. Last evaluated: 2026-01-13. Review status: criteria provided, single submitter. Criteria: Invitae Variant Classification Sherloc (09022015). Collection method: clinical testing. Allele origin: germline.

PreventionGenetics, part of Exact Sciences
Classification: Likely benign for DSP-related condition. Last evaluated: 2025-03-28. Review status: criteria provided, single submitter. Criteria: ACMG Guidelines, 2015. Collection method: clinical testing. Allele origin: germline.
Comment: This variant is classified as likely benign based on ACMG/AMP sequence variant interpretation guidelines (Richards et al. 2015 PMID: 25741868, with internal and published modifications).

Women's Health and Genetics/Laboratory Corporation of America, LabCorp
Classification: Likely benign. Last evaluated: 2024-09-23. Review status: criteria provided, single submitter. Criteria: LabCorp Variant Classification Summary - May 2015. Collection method: clinical testing. Allele origin: germline.
Comment: Variant summary: DSP c.1154C>T (p.Ala385Val) results in a non-conservative amino acid change in the encoded protein sequence. Three of five in-silico tools predict a damaging effect of the variant on protein function. The variant allele was found at a frequency of 0.0001 in 251226 control chromosomes, predominantly at a frequency of 0.0014 within the African or African-American subpopulation in the gnomAD database. The observed variant frequency within African or African-American control individuals in the gnomAD database is approximately 7 fold of the estimated maximal expected allele frequency for a pathogenic variant in DSP causing Arrhythmogenic Right Ventricular Dysplasia/Cardiomyopathy phenotype (0.0002). c.1154C>T has been reported in the literature in an individual affected with Brugada syndrome without cosegregation information (Di Resta_2015). This report does not provide unequivocal conclusions about association of the variant with Arrhythmogenic Right Ventricular Dysplasia/Cardiomyopathy. To our knowledge, no experimental evidence demonstrating an impact on protein function has been reported. The following publication has been ascertained in the context of this evaluation (PMID: 26220970). ClinVar contains an entry for this variant (Variation ID: 246658). Based on the evidence outlined above, the variant was classified as likely benign.

All of Us Research Program, National Institutes of Health
Classification: Likely benign for Arrhythmogenic cardiomyopathy with wooly hair and keratoderma. Last evaluated: 2024-02-05. Review status: criteria provided, single submitter. Criteria: ACMG Guidelines, 2015. Collection method: clinical testing. Allele origin: germline. Inheritance: Autosomal dominant inheritance. Observed: 9 variant alleles, 9 heterozygotes.
Comment: This study involves interpretation of variants in research participants for the purpose of population health screening. Participant phenotype was not available at the time of variant classification. Additional details can be found in publication PMID: 35346344, PMCID: PMC8962531

CHEO Genetics Diagnostic Laboratory, Children's Hospital of Eastern Ontario
Classification: Likely benign for Cardiomyopathy. Last evaluated: 2023-02-15. Review status: criteria provided, single submitter. Criteria: ACMG Guidelines, 2015. Collection method: clinical testing. Allele origin: germline.

Ambry Genetics
Classification: Likely benign for Cardiovascular phenotype. Last evaluated: 2020-04-28. Review status: criteria provided, single submitter. Criteria: Ambry Variant Classification Scheme 2023. Collection method: clinical testing. Allele origin: germline.

GeneDx
Classification: Likely benign. Last evaluated: 2020-03-24. Review status: criteria provided, single submitter. Criteria: GeneDx Variant Classification Process June 2021. Collection method: clinical testing. Allele origin: germline. Affected: yes.
Comment: This variant is associated with the following publications: (PMID: 26220970)

Color Diagnostics, LLC DBA Color Health
Classification: Likely benign for Cardiomyopathy. Last evaluated: 2019-10-23. Review status: criteria provided, single submitter. Criteria: ACMG Guidelines, 2015. Collection method: clinical testing. Allele origin: germline.

Literature cited by the submitters: PubMed 26220970 (cited by Women's Health and Genetics/Laboratory Corporation of America, LabCorp).

NM_004415.4(DSP):c.1154C>T (p.Ala385Val)

Gene: DSP (desmoplakin; plus strand). Cytogenetic location: 6p24.3.
Variant type: single nucleotide variant.
Coding change: c.1154C>T on transcript NM_004415.4 (MANE Select); coding-DNA position 1154, C replaced by T.
Protein change: p.Ala385Val; replaces alanine 385 with valine.
Molecular consequence: missense variant.
Genome position (GRCh38, 1-based): chr6:7,567,794, C>T. VCF-style: chr6-7567794-C-T. GRCh37 (hg19) VCF-style: chr6-7568027-C-T.
Other names: c.1154C>T, p.Ala385Val (NM_001008844.3, NM_001319034.2); c.1154C>T (NM_004415.3, LRG_423t1); short protein forms A385V.
Identifiers: ClinVar variation 246658 (VCV000246658.26), dbSNP rs146737031, ClinGen allele CA027108.